The following is an entry in ClinVar:

NM_000406.2(GNRHR):c.-1255T>C

Gene: GNRHR (gonadotropin releasing hormone receptor; minus strand). Cytogenetic location: 4q13.2.
Variant type: single nucleotide variant.
Coding change: c.-1255T>C on transcript NM_000406.2; 1255 bases upstream of the start codon, T replaced by C.
Genome position (GRCh38, 1-based): chr4:67,755,590, A>G on the plus strand (T>C on the coding strand, the complement: GNRHR is on the minus strand). VCF-style: chr4-67755590-A-G. GRCh37 (hg19) VCF-style: chr4-68621308-A-G.
Identifiers: ClinVar variation 349477 (VCV000349477.7), dbSNP rs2062302, ClinGen allele CA10621591.

ClinVar aggregate classification (germline): Benign (1 of 4 stars; one submission).

Conditions:
Hypogonadotropic hypogonadism 7 with or without anosmia (HH7). Also called: HYPOGONADOTROPIC HYPOGONADISM 7 WITHOUT ANOSMIA; GNRHR-Related GnRH Deficiency. Identifiers: Orphanet 432, MedGen C0342384, MONDO:0007794, OMIM 146110.

Allele frequency attached by ClinVar (database versions not stated): gnomAD 0.43801 and 0.44721; TOPMed 0.43384; 1000 Genomes Project 0.46685; 1000 Genomes Project 30x 0.45924.

Submission:

Illumina Laboratory Services, Illumina
Classification: Benign for Hypogonadotropic hypogonadism 7 with or without anosmia. Last evaluated: 2018-01-13. Review status: criteria provided, single submitter. Criteria: ICSL Variant Classification Criteria 13 December 2019. Collection method: clinical testing. Allele origin: germline.
Comment: This variant was observed in the ICSL laboratory as part of a predisposition screen in an ostensibly healthy population. It had not been previously curated by ICSL or reported in the Human Gene Mutation Database (HGMD: prior to June 1st, 2018), and was therefore a candidate for classification through an automated scoring system. Utilizing variant allele frequency, disease prevalence and penetrance estimates, and inheritance mode, an automated score was calculated to assess if this variant is too frequent to cause the disease. Based on the score and internal cut-off values, a variant classified as benign is not then subjected to further curation. The score for this variant resulted in a classification of benign for this disease.